The following is an entry in ClinVar:

NC_000020.11:g.(?_63355955)_(63356104_?)del

Gene: CHRNA4 (cholinergic receptor nicotinic alpha 4 subunit; minus strand). Cytogenetic location: 20q13.33.
Variant type: Deletion.
Identifiers: ClinVar variation 832018 (VCV000832018.7).

ClinVar aggregate classification (germline): Uncertain significance (1 of 4 stars; one submission).

Conditions:
Familial sleep-related hypermotor epilepsy. Also called: Autosomal Dominant Sleep-Related Hypermotor (Hyperkinetic) Epilepsy. Identifiers: Orphanet 98784, MedGen C3696898, MONDO:0000030.

Submission:

Labcorp Genetics (formerly Invitae), Labcorp
Classification: Uncertain significance. Last evaluated: 2020-09-02. Review status: criteria provided, single submitter. Criteria: Invitae Variant Classification Sherloc (09022015). Collection method: clinical testing. Allele origin: germline.
Comment: In summary, the available evidence is currently insufficient to determine the role of this variant in disease. Therefore, it has been classified as a Variant of Uncertain Significance. The current clinical and genetic evidence is not sufficient to establish whether loss-of-function variants in CHRNA4 cause disease. This variant has not been reported in the literature in individuals with CHRNA4-related conditions. This variant is an out-of-frame deletion of the genomic region encompassing exon 4 of the CHRNA4 gene. This is expected to create a premature translational stop signal and result in an absent or disrupted protein product.